The following is an entry in ClinVar:

ClinVar aggregate classification (germline): Uncertain significance (1 of 4 stars; one submission).

Allele frequency attached by ClinVar (database versions not stated): gnomAD exomes below 0.00001.
gnomAD v4.1: 1 of 1,613,240 alleles (0.000062%); highest among the groups gnomAD compares: Non-Finnish European, 0.000085%; no homozygotes.

Submission:

Labcorp Genetics (formerly Invitae), Labcorp
Classification: Uncertain significance. Last evaluated: 2023-04-09. Review status: criteria provided, single submitter. Criteria: Invitae Variant Classification Sherloc (09022015). Collection method: clinical testing. Allele origin: germline.
Comment: This sequence change replaces arginine, which is basic and polar, with threonine, which is neutral and polar, at codon 122 of the RP1L1 protein (p.Arg122Thr). In summary, the available evidence is currently insufficient to determine the role of this variant in disease. Therefore, it has been classified as a Variant of Uncertain Significance. Advanced modeling of protein sequence and biophysical properties (such as structural, functional, and spatial information, amino acid conservation, physicochemical variation, residue mobility, and thermodynamic stability) performed at Invitae indicates that this missense variant is not expected to disrupt RP1L1 protein function. This variant has not been reported in the literature in individuals affected with RP1L1-related conditions. This variant is not present in population databases (gnomAD no frequency).

NM_178857.6(RP1L1):c.365G>C (p.Arg122Thr)

Gene: RP1L1 (RP1 like 1). Cytogenetic location: 8p23.1.
Variant type: single nucleotide variant.
Coding change: c.365G>C on transcript NM_178857.6 (MANE Select); coding-DNA position 365, G replaced by C.
Protein change: p.Arg122Thr; replaces arginine 122 with threonine.
Molecular consequence: missense variant.
Genome position (GRCh38, 1-based): chr8:10,622,837, C>G on the plus strand (G>C on the coding strand, the complement: RP1L1 is on the minus strand). VCF-style: chr8-10622837-C-G. GRCh37 (hg19) VCF-style: chr8-10480347-C-G.
Other names: short protein forms R122T.
Identifiers: ClinVar variation 2815993 (VCV002815993.3), dbSNP rs2486318610, ClinGen allele CA370300399.